The following is an entry in ClinVar:

ClinVar aggregate classification (germline): Uncertain significance (1 of 4 stars; one submission).

Submission:

Labcorp Genetics (formerly Invitae), Labcorp
Classification: Uncertain significance. Last evaluated: 2025-10-17. Review status: criteria provided, single submitter. Criteria: Invitae Variant Classification Sherloc (09022015). Collection method: clinical testing. Allele origin: germline.
Comment: This sequence change replaces isoleucine, which is neutral and non-polar, with methionine, which is neutral and non-polar, at codon 804 of the RNF216 protein (p.Ile804Met). This variant is not present in population databases (gnomAD no frequency). This variant has not been reported in the literature in individuals affected with RNF216-related conditions. An algorithm developed to predict the effect of missense changes on protein structure and function (PolyPhen-2) suggests that this variant is likely to be disruptive. In summary, the available evidence is currently insufficient to determine the role of this variant in disease. Therefore, it has been classified as a Variant of Uncertain Significance.

NM_207111.4(RNF216):c.2412C>G (p.Ile804Met)

Gene: RNF216 (ring finger protein 216; minus strand). Cytogenetic location: 7p22.1.
Variant type: single nucleotide variant.
Coding change: c.2412C>G on transcript NM_207111.4 (MANE Select); coding-DNA position 2412, C replaced by G.
Protein change: p.Ile804Met; replaces isoleucine 804 with methionine.
Molecular consequence: missense variant.
Genome position (GRCh38, 1-based): chr7:5,624,096, G>C on the plus strand (C>G on the coding strand, the complement: RNF216 is on the minus strand). VCF-style: chr7-5624096-G-C. GRCh37 (hg19) VCF-style: chr7-5663727-G-C.
Other names: c.2241C>G, p.Ile747Met (NM_001377156.1, NM_207116.3); short protein forms I747M, I804M.
Identifiers: ClinVar variation 4764970 (VCV004764970.1).